The following is an entry in ClinVar:

NM_001276270.2(MBD4):c.437T>C (p.Leu146Pro)

Gene: MBD4 (methyl-CpG binding domain 4, DNA glycosylase; minus strand). Cytogenetic location: 3q21.3.
Variant type: single nucleotide variant.
Coding change: c.437T>C on transcript NM_001276270.2 (MANE Select); coding-DNA position 437, T replaced by C.
Protein change: p.Leu146Pro; replaces leucine 146 with proline.
Molecular consequence: missense variant. On other transcripts: intron variant (1).
Genome position (GRCh38, 1-based): chr3:129,437,207, A>G on the plus strand (T>C on the coding strand, the complement: MBD4 is on the minus strand). VCF-style: chr3-129437207-A-G. GRCh37 (hg19) VCF-style: chr3-129156050-A-G.
Other names: c.437T>C, p.Leu146Pro (NM_003925.3, NM_001276271.2, NM_001276272.2); c.247+601T>C (NM_001276273.2); short protein forms L146P.
Identifiers: ClinVar variation 4859555 (VCV004859555.1).

ClinVar aggregate classification (germline): Uncertain significance (1 of 4 stars; one submission).

Conditions:
Inborn genetic diseases. Identifiers: MedGen C0950123, MeSH D030342.

Submission:

Ambry Genetics
Classification: Uncertain significance for Inborn genetic diseases. Last evaluated: 2026-03-15. Review status: criteria provided, single submitter. Criteria: Ambry Variant Classification Scheme 2023. Collection method: clinical testing. Allele origin: germline.
Comment: The p.L146P variant (also known as c.437T>C), located in coding exon 3 of the MBD4 gene, results from a T to C substitution at nucleotide position 437. The leucine at codon 146 is replaced by proline, an amino acid with similar properties. This amino acid position is conserved. In addition, this alteration is predicted to be tolerated by in silico analysis. Based on the available evidence, the clinical significance of this variant remains unclear.